The following is an entry in ClinVar:

ClinVar aggregate classification (germline): Likely benign (1 of 4 stars; one submission).

gnomAD v4.1: 1 of 1,613,732 alleles (0.000062%); highest among the groups gnomAD compares: Non-Finnish European, 0.000085%; no homozygotes.

Submission:

CeGaT Center for Human Genetics Tuebingen
Classification: Likely benign. Last evaluated: 2025-05-01. Review status: criteria provided, single submitter. Criteria: CeGaT Center For Human Genetics Tuebingen Variant Classification Criteria Version 2. Collection method: clinical testing. Allele origin: germline. Affected: yes. Observed: 1 variant allele.
Comment: SUSD5: BP4, BP7

NM_015551.2(SUSD5):c.1458G>C (p.Leu486=)

Genes: SUSD5 (sushi domain containing 5; minus strand), LOC126806648 (CDK7 strongly-dependent group 2 enhancer GRCh37_chr3:33194307-33195506; plus strand). Cytogenetic location: 3p22.3.
Variant type: single nucleotide variant.
Coding change: c.1458G>C on transcript NM_015551.2 (MANE Select); coding-DNA position 1458, G replaced by C.
Protein change: p.Leu486=; no amino-acid change (leucine 486 retained).
Molecular consequence: synonymous variant.
Genome position (GRCh38, 1-based): chr3:33,153,174, C>G on the plus strand (G>C on the coding strand, the complement: SUSD5 is on the minus strand). VCF-style: chr3-33153174-C-G. GRCh37 (hg19) VCF-style: chr3-33194666-C-G.
Identifiers: ClinVar variation 3905885 (VCV003905885.10).
Genomic context (GRCh38, chr3:33,153,174, plus strand): 5'-TGTCTGCTTGACAGTGTTCACTGTTAATATCTCCAGGGTGGAGCTGGTGAGCTCATAGGA[C>G]AGGGTGGCCATGGGAGATTCCTCTGTGATGAATCTCCAGGGTAGAGTTGACTGGTACTTC-3'
Protein context (NP_056366.1, residues 476-496): FITEESPMAT[Leu486=]SYELTSSTLE